The following is an entry in ClinVar:

NM_001365088.1(SLC12A6):c.2055_2056insTAGGGCCCTTTAATTTTCATCCCCTTTC (p.Met686Ter)

Gene: SLC12A6 (solute carrier family 12 member 6; minus strand). Cytogenetic location: 15q14.
Variant type: Insertion.
Coding change: c.2055_2056insTAGGGCCCTTTAATTTTCATCCCCTTTC on transcript NM_001365088.1 (MANE Select); coding-DNA positions 2055 to 2056, TAGGGCCCTTTAATTTTCATCCCCTTTC inserted.
Protein change: p.Met686Ter; replaces methionine 686 with a stop codon.
Molecular consequence: nonsense.
Genome position: GRCh38 VCF-style: chr15-34242208-T-TGAAAGGGGATGAAAATTAAAGGGCCCTA. GRCh37 (hg19) VCF-style: chr15-34534409-T-TGAAAGGGGATGAAAATTAAAGGGCCCTA.
Other names: c.1878_1879insTAGGGCCCTTTAATTTTCATCCCCTTTC, p.Met627Ter (NM_001042494.2, NM_001042495.2); c.2028_2029insTAGGGCCCTTTAATTTTCATCCCCTTTC, p.Met677Ter (NM_001042496.2); c.2010_2011insTAGGGCCCTTTAATTTTCATCCCCTTTC, p.Met671Ter (NM_001042497.2); c.1902_1903insTAGGGCCCTTTAATTTTCATCCCCTTTC, p.Met635Ter (NM_005135.2); c.2055_2056insTAGGGCCCTTTAATTTTCATCCCCTTTC, p.Met686Ter (NM_133647.2); short protein forms M686*, M635*, M677*, M671*, M627*.
Identifiers: ClinVar variation 5003745 (VCV005003745.1).

ClinVar aggregate classification (germline): Pathogenic (1 of 4 stars; one submission).

Conditions:
Agenesis of the corpus callosum with peripheral neuropathy (ACCPN). Also called: POLYNEUROPATHY, SENSORIMOTOR, WITH OR WITHOUT AGENESIS OF THE CORPUS CALLOSUM; HMSN/ACC; CHARLEVOIX DISEASE; Hereditary Motor and Sensory Neuropathy with Agenesis of the Corpus Callosum. Identifiers: Orphanet 1496, MedGen C0795950, MONDO:0000902, OMIM 218000. Disease mechanism: loss of function.

Submission:

Myriad Genetics, Inc.
Classification: Pathogenic for Agenesis of the corpus callosum with peripheral neuropathy. Last evaluated: 2026-06-22. Review status: criteria provided, single submitter. Criteria: Myriad Autosomal Dominant, Autosomal Recessive and X-Linked Classification Criteria (2023). Collection method: clinical testing. Allele origin: unknown.
Comment: NM_133647.1(SLC12A6):c.2055_2056ins28(M686*) is a nonsense variant classified as pathogenic in the context of Andermann syndrome. M686* has not been observed in cases with relevant disease. Relevant functional assessments of this variant are not available in the literature. M686* has not been observed in referenced population frequency databases. In summary, NM_133647.1(SLC12A6):c.2055_2056ins28(M686*) is a nonsense variant in a gene where loss of function is a known mechanism of disease and is predicted to disrupt protein function. Please note: this variant was assessed in the context of healthy population screening.